The following is an entry in ClinVar:

ClinVar aggregate classification (germline): Uncertain significance (1 of 4 stars; one submission).

Conditions:
EGFR-related lung cancer (EGFR). Identifiers: MedGen CN130014.

gnomAD v4.1: 1 of 1,522,454 alleles (0.000066%); highest among the groups gnomAD compares: South Asian, 0.0012%; no homozygotes.

Submission:

Labcorp Genetics (formerly Invitae), Labcorp
Classification: Uncertain significance for EGFR-related lung cancer. Last evaluated: 2020-01-30. Review status: criteria provided, single submitter. Criteria: Invitae Variant Classification Sherloc (09022015). Collection method: clinical testing. Allele origin: germline.
Comment: In summary, the available evidence is currently insufficient to determine the role of this variant in disease. Therefore, it has been classified as a Variant of Uncertain Significance. Algorithms developed to predict the effect of missense changes on protein structure and function (SIFT, PolyPhen-2, Align-GVGD) all suggest that this variant is likely to be tolerated, but these predictions have not been confirmed by published functional studies and their clinical significance is uncertain. This variant has not been reported in the literature in individuals with EGFR-related conditions. This variant is not present in population databases (ExAC no frequency). This sequence change replaces alanine with serine at codon 16 of the EGFR protein (p.Ala16Ser). The alanine residue is weakly conserved and there is a moderate physicochemical difference between alanine and serine.

NM_005228.5(EGFR):c.46G>T (p.Ala16Ser)

Gene: EGFR (epidermal growth factor receptor; plus strand). Cytogenetic location: 7p11.2.
Variant type: single nucleotide variant.
Coding change: c.46G>T on transcript NM_005228.5 (MANE Select); coding-DNA position 46, G replaced by T.
Protein change: p.Ala16Ser; replaces alanine 16 with serine.
Molecular consequence: missense variant.
Genome position (GRCh38, 1-based): chr7:55,019,323, G>T. VCF-style: chr7-55019323-G-T. GRCh37 (hg19) VCF-style: chr7-55087016-G-T.
Other names: c.46G>T, p.Ala16Ser (NM_001346897.2, NM_001346898.2, NM_001346899.2 and 4 more transcripts); short protein forms A16S.
Identifiers: ClinVar variation 1053333 (VCV001053333.9), dbSNP rs2128853424, ClinGen allele CA367611240.